The following is an entry in ClinVar:

NM_005219.5(DIAPH1):c.1925C>T (p.Pro642Leu)

Gene: DIAPH1 (diaphanous related formin 1; minus strand). Cytogenetic location: 5q31.3.
Variant type: single nucleotide variant.
Coding change: c.1925C>T on transcript NM_005219.5 (MANE Select); coding-DNA position 1925, C replaced by T.
Protein change: p.Pro642Leu; replaces proline 642 with leucine.
Molecular consequence: missense variant.
Genome position (GRCh38, 1-based): chr5:141,573,925, G>A on the plus strand (C>T on the coding strand, the complement: DIAPH1 is on the minus strand). VCF-style: chr5-141573925-G-A. GRCh37 (hg19) VCF-style: chr5-140953492-G-A.
Other names: c.1898C>T, p.Pro633Leu (NM_001079812.3); c.1925C>T, p.Pro642Leu (NM_001314007.2); short protein forms P633L, P642L.
Identifiers: ClinVar variation 1384516 (VCV001384516.6), dbSNP rs2099895573, ClinGen allele CA361519997.
Genomic context (GRCh38, chr5:141,573,925, plus strand): 5'-CCAACACCCTCAGGCAAAGGAGGGGGTGGAGGGATGGTAGCATCCCCAGACAAAGGAGGG[G>A]GTGGAGAGATAGCAGTACCTCCAGGTAAAGAAGGGGGTGAGGAGATGCAAACACCCCCAG-3'
Protein context (NP_005210.3, residues 632-652): SLPGGTAISP[Pro642Leu]PPLSGDATIP

ClinVar aggregate classification (germline): Uncertain significance (1 of 4 stars; one submission).

Conditions:
Autosomal dominant nonsyndromic hearing loss 1. Also called: KONIGSMARK SYNDROME; DEAFNESS, AUTOSOMAL DOMINANT 1, WITH OR WITHOUT THROMBOCYTOPENIA. Identifiers: Orphanet 90635, MedGen C1852282, MONDO:0007424, OMIM 124900.
Progressive microcephaly-seizures-cortical blindness-developmental delay syndrome. Also called: Seizures, cortical blindness, and microcephaly syndrome. Identifiers: Orphanet 477814, MedGen C5567650, MONDO:0014714, OMIM 616632.

Allele frequency attached by ClinVar (database versions not stated): gnomAD exomes below 0.00001.
gnomAD v4.1: 1 of 1,552,448 alleles (0.000064%); highest among the groups gnomAD compares: Non-Finnish European, 0.000087%; no homozygotes.

Submission:

Labcorp Genetics (formerly Invitae), Labcorp
Classification: Uncertain significance for Progressive microcephaly-seizures-cortical blindness-developmental delay syndrome; Autosomal dominant nonsyndromic hearing loss 1. Last evaluated: 2022-11-22. Review status: criteria provided, single submitter. Criteria: Invitae Variant Classification Sherloc (09022015). Collection method: clinical testing. Allele origin: germline.
Comment: In summary, the available evidence is currently insufficient to determine the role of this variant in disease. Therefore, it has been classified as a Variant of Uncertain Significance. Algorithms developed to predict the effect of missense changes on protein structure and function are either unavailable or do not agree on the potential impact of this missense change (SIFT: "Deleterious"; PolyPhen-2: "Not Available"; Align-GVGD: "Class C0"). ClinVar contains an entry for this variant (Variation ID: 1384516). This variant has not been reported in the literature in individuals affected with DIAPH1-related conditions. This variant is not present in population databases (gnomAD no frequency). This sequence change replaces proline, which is neutral and non-polar, with leucine, which is neutral and non-polar, at codon 642 of the DIAPH1 protein (p.Pro642Leu).